The following is an entry in ClinVar:

ClinVar aggregate classification (germline): Uncertain significance (1 of 4 stars; one submission).

Conditions:
Sclerosteosis 2 (SOST2). Identifiers: Orphanet 3152, MedGen C3280402, MONDO:0013679, OMIM 614305.
Congenital myasthenic syndrome 17. Identifiers: Orphanet 590, MedGen C4225377, MONDO:0014578, OMIM 616304.
Cenani-Lenz syndactyly syndrome. Also called: SYNDACTYLY, TYPE VII; CENANI SYNDACTYLISM. Identifiers: Orphanet 3258, MedGen C1859309, MONDO:0008931, OMIM 212780.

Submission:

Labcorp Genetics (formerly Invitae), Labcorp
Classification: Uncertain significance for Cenani-Lenz syndactyly syndrome; Sclerosteosis 2; Congenital myasthenic syndrome 17. Last evaluated: 2022-06-13. Review status: criteria provided, single submitter. Criteria: Invitae Variant Classification Sherloc (09022015). Collection method: clinical testing. Allele origin: germline.
Comment: This sequence change replaces proline, which is neutral and non-polar, with arginine, which is basic and polar, at codon 1021 of the LRP4 protein (p.Pro1021Arg). In summary, the available evidence is currently insufficient to determine the role of this variant in disease. Therefore, it has been classified as a Variant of Uncertain Significance. Algorithms developed to predict the effect of missense changes on protein structure and function (SIFT, PolyPhen-2, Align-GVGD) all suggest that this variant is likely to be disruptive. This variant has not been reported in the literature in individuals affected with LRP4-related conditions. This variant is not present in population databases (gnomAD no frequency).

NM_002334.4(LRP4):c.3062C>G (p.Pro1021Arg)

Gene: LRP4 (LDL receptor related protein 4; minus strand). Cytogenetic location: 11p11.2.
Variant type: single nucleotide variant.
Coding change: c.3062C>G on transcript NM_002334.4 (MANE Select); coding-DNA position 3062, C replaced by G.
Protein change: p.Pro1021Arg; replaces proline 1021 with arginine.
Molecular consequence: missense variant.
Genome position (GRCh38, 1-based): chr11:46,878,981, G>C on the plus strand (C>G on the coding strand, the complement: LRP4 is on the minus strand). VCF-style: chr11-46878981-G-C. GRCh37 (hg19) VCF-style: chr11-46900532-G-C.
Other names: short protein forms P1021R.
Identifiers: ClinVar variation 2158585 (VCV002158585.3), dbSNP rs2539736942, ClinGen allele CA380276972.